The following is an entry in ClinVar:

ClinVar aggregate classification (germline): Benign/Likely benign. Review status: criteria provided, multiple submitters, no conflicts (2 of 4 stars). 4 submissions from 4 submitters: Benign (1); Likely benign (3). Last evaluated 2025-05-30.

Conditions:
Tuberous sclerosis 2 (TSC2). Identifiers: Orphanet 805, MedGen C1860707, MONDO:0013199, OMIM 613254.
Lymphangiomyomatosis (LAM). Also called: Lymphangioleiomyomatosis; Lymphangioleiomyomatosis, somatic. Identifiers: Orphanet 538, MedGen C0751674, MONDO:0011705, OMIM 606690.
Isolated focal cortical dysplasia type II (FCORD2). Also called: Focal cortical dysplasia type II; CORTICAL DYSPLASIA OF TAYLOR. Identifiers: Orphanet 268994, MedGen C1846385, MONDO:0011818, OMIM 607341, HP:0032051.
Hereditary cancer-predisposing syndrome. Also called: Tumor predisposition; Hereditary Cancer Syndrome; Neoplastic Syndromes, Hereditary; Hereditary neoplastic syndrome. Identifiers: Orphanet 140162, MedGen C0027672, MeSH D009386, MONDO:0015356.

gnomAD v4.1: 8 of 1,612,990 alleles (0.0005%); highest among the groups gnomAD compares: Non-Finnish European, 0.00068%; no homozygotes.

Submissions (4):

Myriad Genetics, Inc.
Classification: Benign for Tuberous sclerosis 2. Last evaluated: 2025-05-30. Review status: criteria provided, single submitter. Criteria: Myriad Autosomal Dominant, Autosomal Recessive and X-Linked Classification Criteria (2023). Collection method: clinical testing. Allele origin: unknown.
Comment: This variant is considered benign. This variant is a silent/synonymous amino acid change and it is not expected to impact splicing.

Labcorp Genetics (formerly Invitae), Labcorp
Classification: Likely benign for Tuberous sclerosis 2. Last evaluated: 2024-12-23. Review status: criteria provided, single submitter. Criteria: Invitae Variant Classification Sherloc (09022015). Collection method: clinical testing. Allele origin: germline.

Fulgent Genetics
Classification: Likely benign for Lymphangiomyomatosis; Isolated focal cortical dysplasia type II; Tuberous sclerosis 2. Last evaluated: 2022-03-29. Review status: criteria provided, single submitter. Criteria: ACMG Guidelines, 2015. Collection method: clinical testing. Allele origin: unknown.

Ambry Genetics
Classification: Likely benign for Hereditary cancer-predisposing syndrome. Last evaluated: 2022-01-05. Review status: criteria provided, single submitter. Criteria: Ambry Variant Classification Scheme 2023. Collection method: clinical testing. Allele origin: germline.

NM_000548.5(TSC2):c.3744C>G (p.Ala1248=)

Gene: TSC2 (TSC complex subunit 2; plus strand). Cytogenetic location: 16p13.3.
Variant type: single nucleotide variant.
Coding change: c.3744C>G on transcript NM_000548.5 (MANE Select); coding-DNA position 3744, C replaced by G.
Protein change: p.Ala1248=; no amino-acid change (alanine 1248 retained).
Molecular consequence: synonymous variant.
Genome position (GRCh38, 1-based): chr16:2,081,728, C>G. VCF-style: chr16-2081728-C-G. GRCh37 (hg19) VCF-style: chr16-2131729-C-G.
Other names: c.3612C>G, p.Ala1204= (NM_001077183.3, NM_001370404.1); c.3744C>G, p.Ala1248= (NM_001114382.3); c.3504C>G, p.Ala1168= (NM_001318827.2); c.3468C>G, p.Ala1156= (NM_001318829.2); c.3012C>G, p.Ala1004= (NM_001318831.2); c.3645C>G, p.Ala1215= (NM_001318832.2); c.3615C>G, p.Ala1205= (NM_001363528.2, NM_001370405.1, NM_021055.3).
Identifiers: ClinVar variation 757176 (VCV000757176.12), dbSNP rs45517307, ClinGen allele CA048256.
Genomic context (GRCh38, chr16:2,081,728, plus strand): 5'-GCAGGAGCTGTCTAACGCCCTCATGGCGGCTGAGCGCTTCAAGGAGCACCGGGACACAGC[C>G]CTGTACAAGTCACTGTCGGTGCCGGCAGCCAGCACGGCCAAACCCCCTCCTCTGCCTCGC-3'
Protein context (NP_000539.2, residues 1238-1258): AERFKEHRDT[Ala1248=]LYKSLSVPAA